The following is an entry in ClinVar:

ClinVar aggregate classification (germline): Uncertain significance (1 of 4 stars; one submission).

Allele frequency attached by ClinVar (database versions not stated): gnomAD exomes 0.00003 and 0.00004; TOPMed 0.00003; ExAC 0.00005; gnomAD 0.00005; ESP Exome Variant Server 0.00023.
gnomAD v4.1: 58 of 1,613,640 alleles (0.0036%); highest among the groups gnomAD compares: African/African-American, 0.013%; no homozygotes.

Submission:

Labcorp Genetics (formerly Invitae), Labcorp
Classification: Uncertain significance. Last evaluated: 2021-06-22. Review status: criteria provided, single submitter. Criteria: Invitae Variant Classification Sherloc (09022015). Collection method: clinical testing. Allele origin: germline.
Comment: This sequence change replaces arginine with glutamine at codon 727 of the KANK2 protein (p.Arg727Gln). The arginine residue is highly conserved and there is a small physicochemical difference between arginine and glutamine. This variant is present in population databases (rs138941748, ExAC 0.02%). This variant has not been reported in the literature in individuals affected with KANK2-related conditions. Algorithms developed to predict the effect of missense changes on protein structure and function are either unavailable or do not agree on the potential impact of this missense change (SIFT: "Tolerated"; PolyPhen-2: "Probably Damaging"; Align-GVGD: "Class C0"). Algorithms developed to predict the effect of sequence changes on RNA splicing suggest that this variant may create or strengthen a splice site. In summary, the available evidence is currently insufficient to determine the role of this variant in disease. Therefore, it has been classified as a Variant of Uncertain Significance.

NM_001136191.3(KANK2):c.2180G>A (p.Arg727Gln)

Gene: KANK2 (KN motif and ankyrin repeat domains 2; minus strand). Cytogenetic location: 19p13.2.
Variant type: single nucleotide variant.
Coding change: c.2180G>A on transcript NM_001136191.3 (MANE Select); coding-DNA position 2180, G replaced by A.
Protein change: p.Arg727Gln; replaces arginine 727 with glutamine.
Molecular consequence: missense variant.
Genome position (GRCh38, 1-based): chr19:11,173,012, C>T on the plus strand (G>A on the coding strand, the complement: KANK2 is on the minus strand). VCF-style: chr19-11173012-C-T. GRCh37 (hg19) VCF-style: chr19-11283688-C-T.
Other names: c.2180G>A, p.Arg727Gln (NM_001329451.2, NM_001379555.1, NM_001379556.1 and 7 more transcripts); c.2204G>A, p.Arg735Gln (NM_001379548.1, NM_001379549.1, NM_001379550.1 and 5 more transcripts); short protein forms R735Q, R727Q.
Identifiers: ClinVar variation 1463931 (VCV001463931.8), dbSNP rs138941748, ClinGen allele CA9205352.
Genomic context (GRCh38, chr19:11,173,012, plus strand): 5'-TGGATCTGCAGCAGCCGGGGTCCCCATACCTGGCTGGCTTTGGCATTGATGTTGCCAAGC[C>T]GGAAGAGCTGAAGGACAGTCTCGATGTCGTCCTGGGTCTTCAGGGTGGCCAGGGCGGTGA-3'
Protein context (NP_001129663.1, residues 717-737): DDIETVLQLF[Arg727Gln]LGNINAKASQ